The following is an entry in ClinVar:

NM_130837.3(OPA1):c.1567A>G (p.Lys523Glu)

Gene: OPA1 (OPA1 mitochondrial dynamin like GTPase; plus strand). Cytogenetic location: 3q29.
Variant type: single nucleotide variant.
Coding change: c.1567A>G on transcript NM_130837.3 (MANE Select); coding-DNA position 1567, A replaced by G.
Protein change: p.Lys523Glu; replaces lysine 523 with glutamic acid.
Molecular consequence: missense variant.
Genome position (GRCh38, 1-based): chr3:193,644,064, A>G. VCF-style: chr3-193644064-A-G. GRCh37 (hg19) VCF-style: chr3-193361853-A-G.
Other names: c.1033A>G, p.Lys345Glu (NM_001354663.2); c.1030A>G, p.Lys344Glu (NM_001354664.2); c.1402A>G, p.Lys468Glu (NM_015560.3); c.1294A>G, p.Lys432Glu (NM_130831.3); c.1348A>G, p.Lys450Glu (NM_130832.3); c.1405A>G, p.Lys469Glu (NM_130833.3); c.1456A>G, p.Lys486Glu (NM_130834.3); c.1459A>G, p.Lys487Glu (NM_130835.3); and 1 more; short protein forms K450E, K469E, K505E, K345E, K487E, K344E, K468E, K486E.
Identifiers: ClinVar variation 2203483 (VCV002203483.5), dbSNP rs2474881420, ClinGen allele CA355789883.

ClinVar aggregate classification (germline): Pathogenic. Review status: criteria provided, single submitter (1 of 4 stars). 2 submissions from 2 submitters: Pathogenic (1). 1 of the submissions does not count toward it. Last evaluated 2024-11-27.

Conditions:
Optic atrophy. Identifiers: MedGen C0029124, MONDO:0003608, HP:0000648.

Submissions (2):

Labcorp Genetics (formerly Invitae), Labcorp
Classification: Pathogenic. Last evaluated: 2024-11-27. Review status: criteria provided, single submitter. Criteria: Invitae Variant Classification Sherloc (09022015). Collection method: clinical testing. Allele origin: germline.
Comment: This sequence change replaces lysine, which is basic and polar, with glutamic acid, which is acidic and polar, at codon 468 of the OPA1 protein (p.Lys468Glu). This variant is not present in population databases (gnomAD no frequency). This missense change has been observed in individuals with autosomal dominant optic atrophy (PMID: 11440988, 29952689, 33884488). It has also been observed to segregate with disease in related individuals. ClinVar contains an entry for this variant (Variation ID: 2203483). Invitae Evidence Modeling of protein sequence and biophysical properties (such as structural, functional, and spatial information, amino acid conservation, physicochemical variation, residue mobility, and thermodynamic stability) indicates that this missense variant is expected to disrupt OPA1 protein function with a positive predictive value of 80%. For these reasons, this variant has been classified as Pathogenic.

Institute of Human Genetics, Univ. Regensburg, Univ. Regensburg
Classification: Likely pathogenic for Optic atrophy. Last evaluated: 2020-01-01. Review status: no assertion criteria provided. Criteria: ACMG Guidelines, 2015. Collection method: clinical testing. Allele origin: germline. Affected: yes. Not counted in ClinVar's aggregate classification.

Literature cited by the submitters: PubMed 11440988 (cited by Labcorp Genetics (formerly Invitae), Labcorp); PubMed 29952689 (cited by Labcorp Genetics (formerly Invitae), Labcorp); PubMed 33884488 (cited by Labcorp Genetics (formerly Invitae), Labcorp).